The following is an entry in ClinVar:

ClinVar aggregate classification (germline): Pathogenic (1 of 4 stars; one submission).

Submission:

Labcorp Genetics (formerly Invitae), Labcorp
Classification: Pathogenic. Last evaluated: 2022-09-05. Review status: criteria provided, single submitter. Criteria: Invitae Variant Classification Sherloc (09022015). Collection method: clinical testing. Allele origin: germline.
Comment: For these reasons, this variant has been classified as Pathogenic. This variant has not been reported in the literature in individuals affected with ADAMTS13-related conditions. This variant is not present in population databases (gnomAD no frequency). This sequence change creates a premature translational stop signal (p.Gly291Argfs*85) in the ADAMTS13 gene. It is expected to result in an absent or disrupted protein product. Loss-of-function variants in ADAMTS13 are known to be pathogenic (PMID: 11586351, 12753286, 21781265).

Literature cited by the submitters: PubMed 11586351; PubMed 12753286; PubMed 21781265.

NM_139027.6(ADAMTS13):c.870_876del (p.Gly291fs)

Gene: ADAMTS13 (ADAM metallopeptidase with thrombospondin type 1 motif 13; plus strand). Cytogenetic location: 9q34.2.
Variant type: Deletion.
Coding change: c.870_876del on transcript NM_139027.6 (MANE Select); coding-DNA positions 870 to 876, 7 bases deleted (CGGGTCC; older notation c.870_876delCGGGTCC).
Protein change: p.Gly291fs; shifts the reading frame from glycine 291.
Molecular consequence: frameshift variant. On other transcripts: intron variant (1).
Genome position (GRCh38, 1-based): chr9:133,429,984-133,429,990, CGGGTCC deleted; deleting any 7 consecutive bases within chr9:133,429,982-133,429,990 gives the same sequence; the c. name uses the placement nearest the transcript's 3' end. VCF-style (leftmost placement, unchanged base first): chr9-133429981-ACCCGGGT-A. GRCh37 (hg19) VCF-style: chr9-136295101-ACCCGGGT-A.
Other names: c.870_876del, p.Gly291fs (NM_139025.5); c.825-48_825-42del (NM_139026.6); short protein forms G291fs.
Identifiers: ClinVar variation 2029124 (VCV002029124.4), dbSNP rs2491124706, ClinGen allele CA2580079945.